The following is an entry in ClinVar:

ClinVar aggregate classification (germline): Likely benign. Review status: criteria provided, multiple submitters, no conflicts (2 of 4 stars). 2 submissions from 2 submitters: Likely benign (2). Last evaluated 2023-10-05.

Conditions:
Citrullinemia. Identifiers: Orphanet 187, MedGen C0175683, MONDO:0015991.

Allele frequency attached by ClinVar (database versions not stated): TOPMed below 0.00001; gnomAD 0.00001; gnomAD exomes 0.00001.
gnomAD v4.1: 11 of 1,614,036 alleles (0.00068%); highest among the groups gnomAD compares: African/African-American, 0.0053%; no homozygotes.

Submissions (2):

Labcorp Genetics (formerly Invitae), Labcorp
Classification: Likely benign for Citrullinemia. Last evaluated: 2023-10-05. Review status: criteria provided, single submitter. Criteria: Invitae Variant Classification Sherloc (09022015). Collection method: clinical testing. Allele origin: germline.

GeneDx
Classification: Likely benign. Last evaluated: 2016-05-12. Review status: criteria provided, single submitter. Criteria: GeneDx Variant Classification (06012015). Collection method: clinical testing. Allele origin: germline. Affected: yes.
Comment: This variant is considered likely benign or benign based on one or more of the following criteria: it is a conservative change, it occurs at a poorly conserved position in the protein, it is predicted to be benign by multiple in silico algorithms, and/or has population frequency not consistent with disease.

NM_054012.4(ASS1):c.63C>T (p.Leu21=)

Gene: ASS1 (argininosuccinate synthase 1; plus strand). Cytogenetic location: 9q34.11.
Variant type: single nucleotide variant.
Coding change: c.63C>T on transcript NM_054012.4 (MANE Select); coding-DNA position 63, C replaced by T.
Protein change: p.Leu21=; no amino-acid change (leucine 21 retained).
Molecular consequence: synonymous variant.
Genome position (GRCh38, 1-based): chr9:130,452,291, C>T. VCF-style: chr9-130452291-C-T. GRCh37 (hg19) VCF-style: chr9-133327678-C-T.
Other names: c.63C>T, p.Leu21= (NM_000050.4).
Identifiers: ClinVar variation 386027 (VCV000386027.9), dbSNP rs774476997, ClinGen allele CA16605381.